The following is an entry in ClinVar:

ClinVar aggregate classification (germline): Uncertain significance (1 of 4 stars; one submission).

Conditions:
Hereditary cancer-predisposing syndrome. Also called: Neoplastic Syndromes, Hereditary; Hereditary Cancer Syndrome; Tumor predisposition; Hereditary neoplastic syndrome. Identifiers: Orphanet 140162, MedGen C0027672, MeSH D009386, MONDO:0015356.

Submission:

Ambry Genetics
Classification: Uncertain significance for Hereditary cancer-predisposing syndrome. Last evaluated: 2024-12-20. Review status: criteria provided, single submitter. Criteria: Ambry Variant Classification Scheme 2023. Collection method: clinical testing. Allele origin: germline.
Comment: The c.3067+2T>C intronic variant results from a T to C substitution two nucleotides after coding exon 23 in the POLD1 gene. This nucleotide position is highly conserved in available vertebrate species. In silico splice site analysis predicts that this alteration will weaken the native splice donor site. Based on the available evidence, the clinical significance of this variant remains unclear.

NM_002691.4(POLD1):c.3067+2T>C

Gene: POLD1 (DNA polymerase delta 1, catalytic subunit; plus strand). Cytogenetic location: 19q13.33.
Variant type: single nucleotide variant.
Coding change: c.3067+2T>C on transcript NM_002691.4 (MANE Select); the canonical splice donor site of the intron after coding-DNA position 3067, T replaced by C.
Molecular consequence: splice donor variant.
Genome position (GRCh38, 1-based): chr19:50,416,725, T>C. VCF-style: chr19-50416725-T-C. GRCh37 (hg19) VCF-style: chr19-50919982-T-C.
Other names: c.3067+2T>C (NM_001256849.1); c.3145+2T>C (NM_001308632.1).
Identifiers: ClinVar variation 3781365 (VCV003781365.1).